The following is an entry in ClinVar:

NM_001365536.1(SCN9A):c.2303T>C (p.Met768Thr)

Genes: SCN1A-AS1 (SCN1A and SCN9A antisense RNA 1; plus strand), SCN9A (sodium voltage-gated channel alpha subunit 9; minus strand). Cytogenetic location: 2q24.3.
Variant type: single nucleotide variant.
Coding change: c.2303T>C on transcript NM_001365536.1 (MANE Select); coding-DNA position 2303, T replaced by C.
Protein change: p.Met768Thr; replaces methionine 768 with threonine.
Molecular consequence: missense variant.
Genome position (GRCh38, 1-based): chr2:166,280,397, A>G on the plus strand (T>C on the coding strand, the complement: SCN9A is on the minus strand). VCF-style: chr2-166280397-A-G. GRCh37 (hg19) VCF-style: chr2-167136907-A-G.
Other names: c.2270T>C, p.Met757Thr (NM_002977.4); short protein forms M757T, M768T.
Identifiers: ClinVar variation 4885345 (VCV004885345.2).
Genomic context (GRCh38, chr2:166,280,397, plus strand): 5'-ACACACAATAAGAGACTTACCAAATTTCCTATAGCAAGTACATTTTTGAATTCCTCAGTC[A>G]TTGGGTGGTGTTCCATAGCCATAAATAATGTGTTTAAAACTATGCAAATGGTAATTGCAA-3'
Protein context (NP_001352465.1, residues 758-778): TLFMAMEHHP[Met768Thr]TEEFKNVLAI

ClinVar aggregate classification (germline): Uncertain significance (1 of 4 stars; one submission).

Submission:

Dasa
Classification: Uncertain significance. Last evaluated: 2025-06-11. Review status: criteria provided, single submitter. Criteria: DASA Assertion Criteria. Collection method: clinical testing. Allele origin: germline.
Comment: NM_001365536.1(SCN9A):c.2303T>C (p.Met768Thr) is a missense variant that results in the substitution of methionine with threonine. This variant is rare in population databases. Computational prediction algorithms are consistent with a deleterious effect. The currently available literature and clinical evidence are not sufficient to establish a definitive association between this variant and the reported condition. Therefore, this variant is classified as a variant of uncertain significance.